The following is an entry in ClinVar:

NM_004991.4(MECOM):c.2948G>A (p.Cys983Tyr)

Gene: MECOM (MDS1 and EVI1 complex locus; minus strand). Cytogenetic location: 3q26.2.
Variant type: single nucleotide variant.
Coding change: c.2948G>A on transcript NM_004991.4 (MANE Select); coding-DNA position 2948, G replaced by A.
Protein change: p.Cys983Tyr; replaces cysteine 983 with tyrosine.
Molecular consequence: missense variant.
Genome position (GRCh38, 1-based): chr3:169,095,147, C>T on the plus strand (G>A on the coding strand, the complement: MECOM is on the minus strand). VCF-style: chr3-169095147-C-T. GRCh37 (hg19) VCF-style: chr3-168812935-C-T.
Other names: c.2579G>A, p.Cys860Tyr (NM_001105077.4); c.2384G>A, p.Cys795Tyr (NM_001105078.4, NM_001205194.2, NM_001366469.2 and 1 more transcripts); c.2360G>A, p.Cys787Tyr (NM_001163999.2, NM_001366470.2); c.2357G>A, p.Cys786Tyr (NM_001164000.2, NM_001366471.2, NM_001366472.2); c.2921G>A, p.Cys974Tyr (NM_001366466.2); c.2387G>A, p.Cys796Tyr (NM_001366467.2, NM_001366468.2); c.1949G>A, p.Cys650Tyr (NM_001366473.2); c.1385G>A, p.Cys462Tyr (NM_001366474.2); short protein forms C650Y, C786Y, C787Y, C462Y, C796Y, C860Y, C795Y, C983Y.
Identifiers: ClinVar variation 3871903 (VCV003871903.1).

ClinVar aggregate classification (germline): Uncertain significance (1 of 4 stars; one submission).

Conditions:
Inborn genetic diseases. Identifiers: MedGen C0950123, MeSH D030342.

gnomAD v4.1: 1 of 1,613,534 alleles (0.000062%); highest among the groups gnomAD compares: Non-Finnish European, 0.000085%; no homozygotes.

Submission:

Ambry Genetics
Classification: Uncertain significance for Inborn genetic diseases. Last evaluated: 2025-03-12. Review status: criteria provided, single submitter. Criteria: Ambry Variant Classification Scheme 2023. Collection method: clinical testing. Allele origin: germline.
Comment: The p.C983Y variant (also known as c.2948G>A), located in coding exon 13 of the MECOM gene, results from a G to A substitution at nucleotide position 2948. The cysteine at codon 983 is replaced by tyrosine, an amino acid with highly dissimilar properties. This amino acid position is conserved. In addition, this alteration is predicted to be deleterious by in silico analysis. Based on the available evidence, the clinical significance of this variant remains unclear.